The following is an entry in ClinVar:

NM_001852.4(COL9A2):c.757G>A (p.Gly253Ser)

Gene: COL9A2 (collagen type IX alpha 2 chain; minus strand). Cytogenetic location: 1p34.2.
Variant type: single nucleotide variant.
Coding change: c.757G>A on transcript NM_001852.4 (MANE Select); coding-DNA position 757, G replaced by A.
Protein change: p.Gly253Ser; replaces glycine 253 with serine.
Molecular consequence: missense variant.
Genome position (GRCh38, 1-based): chr1:40,310,146, C>T on the plus strand (G>A on the coding strand, the complement: COL9A2 is on the minus strand). VCF-style: chr1-40310146-C-T. GRCh37 (hg19) VCF-style: chr1-40775818-C-T.
Other names: c.757G>A (NM_001852.3); short protein forms G253S.
Identifiers: ClinVar variation 2177335 (VCV002177335.5), dbSNP rs981580142, ClinGen allele CA21041945.

ClinVar aggregate classification (germline): Uncertain significance. Review status: criteria provided, multiple submitters, no conflicts (2 of 4 stars). 2 submissions from 2 submitters: Uncertain significance (2). Last evaluated 2024-12-30.

Allele frequency attached by ClinVar (database versions not stated): gnomAD exomes below 0.00001; TOPMed below 0.00001; gnomAD 0.00001.

Submissions (2):

Labcorp Genetics (formerly Invitae), Labcorp
Classification: Uncertain significance. Last evaluated: 2024-12-30. Review status: criteria provided, single submitter. Criteria: Invitae Variant Classification Sherloc (09022015). Collection method: clinical testing. Allele origin: germline.
Comment: This sequence change replaces glycine, which is neutral and non-polar, with serine, which is neutral and polar, at codon 253 of the COL9A2 protein (p.Gly253Ser). This variant is present in population databases (no rsID available, gnomAD 0.003%). This variant has not been reported in the literature in individuals affected with COL9A2-related conditions. ClinVar contains an entry for this variant (Variation ID: 2177335). Invitae Evidence Modeling of protein sequence and biophysical properties (such as structural, functional, and spatial information, amino acid conservation, physicochemical variation, residue mobility, and thermodynamic stability) indicates that this missense variant is expected to disrupt COL9A2 protein function with a positive predictive value of 95%. In summary, the available evidence is currently insufficient to determine the role of this variant in disease. Therefore, it has been classified as a Variant of Uncertain Significance.

GeneDx
Classification: Uncertain significance. Last evaluated: 2022-08-10. Review status: criteria provided, single submitter. Criteria: GeneDx Variant Classification Process June 2021. Collection method: clinical testing. Allele origin: germline. Affected: yes.
Comment: Not observed at significant frequency in large population cohorts (gnomAD); In silico analysis supports that this missense variant has a deleterious effect on protein structure/function; Has not been previously published as pathogenic or benign to our knowledge